The following is an entry in ClinVar:

ClinVar aggregate classification (germline): Uncertain significance (1 of 4 stars; one submission).

Conditions:
Emery-Dreifuss muscular dystrophy 5, autosomal dominant (EDMD5). Also called: EMERY-DREIFUSS MUSCULAR DYSTROPHY 5. Identifiers: Orphanet 261, MedGen C2751805, MONDO:0013072, OMIM 612999.

Allele frequency attached by ClinVar (database versions not stated): TOPMed 0.00001; gnomAD 0.00002.
gnomAD v4.1: 11 of 1,613,950 alleles (0.00068%); highest among the groups gnomAD compares: African/African-American, 0.0027%; no homozygotes.

Submissions (2):

Labcorp Genetics (formerly Invitae), Labcorp
Classification: Uncertain significance for Emery-Dreifuss muscular dystrophy 5, autosomal dominant. Last evaluated: 2024-10-21. Review status: criteria provided, single submitter. Criteria: Invitae Variant Classification Sherloc (09022015). Collection method: clinical testing. Allele origin: germline.
Comment: This sequence change replaces tyrosine, which is neutral and polar, with cysteine, which is neutral and slightly polar, at codon 6514 of the SYNE2 protein (p.Tyr6514Cys). This variant is present in population databases (rs371414349, gnomAD 0.005%). This variant has not been reported in the literature in individuals affected with SYNE2-related conditions. ClinVar contains an entry for this variant (Variation ID: 2201452). An algorithm developed to predict the effect of missense changes on protein structure and function outputs the following: PolyPhen-2: "Benign". The cysteine amino acid residue is found in multiple mammalian species, which suggests that this missense change does not adversely affect protein function. In summary, the available evidence is currently insufficient to determine the role of this variant in disease. Therefore, it has been classified as a Variant of Uncertain Significance.

Dr. Peter K. Rogan Lab, Western University
No classification provided (evidence only). Condition: Uterine corpus endometrial carcinoma. Review status: no classification provided. Collection method: in vitro. Allele origin: not applicable. Functional consequence: retained intron. Not counted in ClinVar's aggregate classification.

NM_182914.3(SYNE2):c.19541A>G (p.Tyr6514Cys)

Gene: SYNE2 (spectrin repeat containing nuclear envelope protein 2; plus strand). Cytogenetic location: 14q23.2.
Variant type: single nucleotide variant.
Coding change: c.19541A>G on transcript NM_182914.3 (MANE Select); coding-DNA position 19541, A replaced by G.
Protein change: p.Tyr6514Cys; replaces tyrosine 6514 with cysteine.
Molecular consequence: missense variant.
Genome position (GRCh38, 1-based): chr14:64,216,386, A>G. VCF-style: chr14-64216386-A-G. GRCh37 (hg19) VCF-style: chr14-64683104-A-G.
Other names: c.19472A>G, p.Tyr6491Cys (NM_015180.6); c.65A>G, p.Tyr22Cys (NM_182910.2); c.443A>G, p.Tyr148Cys (NM_182913.4); short protein forms Y6491C, Y6514C, Y148C, Y22C.
Identifiers: ClinVar variation 2201452 (VCV002201452.5), dbSNP rs371414349, ClinGen allele CA261827510.